The following is an entry in ClinVar:

ClinVar aggregate classification (germline): Pathogenic (1 of 4 stars; one submission).

Submission:

GeneDx
Classification: Pathogenic. Last evaluated: 2024-08-08. Review status: criteria provided, single submitter. Criteria: GeneDx Variant Classification Process June 2021. Collection method: clinical testing. Allele origin: germline. Affected: yes.
Comment: Nonsense variant predicted to result in protein truncation in a gene for which loss of function is a known mechanism of disease; Not observed at significant frequency in large population cohorts (gnomAD); Has not been previously published as pathogenic or benign to our knowledge

NM_005859.5(PURA):c.400C>T (p.Gln134Ter)

Genes: PURA (purine rich element binding protein A; plus strand), LOC129994826 (ATAC-STARR-seq lymphoblastoid active region 23260; plus strand). Cytogenetic location: 5q31.3.
Variant type: single nucleotide variant.
Coding change: c.400C>T on transcript NM_005859.5 (MANE Select); coding-DNA position 400, C replaced by T.
Protein change: p.Gln134Ter; replaces glutamine 134 with a stop codon.
Molecular consequence: nonsense.
Genome position (GRCh38, 1-based): chr5:140,114,581, C>T. VCF-style: chr5-140114581-C-T. GRCh37 (hg19) VCF-style: chr5-139494166-C-T.
Other names: short protein forms Q134*.
Identifiers: ClinVar variation 3602973 (VCV003602973.1).